The following is an entry in ClinVar:

ClinVar aggregate classification (germline): Uncertain significance. Review status: criteria provided, multiple submitters, no conflicts (2 of 4 stars). 2 submissions from 2 submitters: Uncertain significance (2). Last evaluated 2025-02-10.

Allele frequency attached by ClinVar (database versions not stated): ESP Exome Variant Server 0.00008; ExAC 0.00002; gnomAD exomes 0.00004; TOPMed 0.00003; gnomAD 0.00005.
gnomAD v4.1: 75 of 1,613,254 alleles (0.0046%); highest among the groups gnomAD compares: Non-Finnish European, 0.0058%; no homozygotes.

Submissions (2):

GeneDx
Classification: Uncertain significance. Last evaluated: 2025-02-10. Review status: criteria provided, single submitter. Criteria: GeneDx Variant Classification Process June 2021. Collection method: clinical testing. Allele origin: germline. Affected: yes.
Comment: Not observed at significant frequency in large population cohorts (gnomAD); In silico analysis supports that this missense variant has a deleterious effect on protein structure/function; Has not been previously published as pathogenic or benign to our knowledge

Labcorp Genetics (formerly Invitae), Labcorp
Classification: Uncertain significance. Last evaluated: 2023-11-27. Review status: criteria provided, single submitter. Criteria: Invitae Variant Classification Sherloc (09022015). Collection method: clinical testing. Allele origin: germline.
Comment: This sequence change replaces glycine, which is neutral and non-polar, with aspartic acid, which is acidic and polar, at codon 25 of the SLC25A3 protein (p.Gly25Asp). The frequency data for this variant in the population databases is considered unreliable, as metrics indicate poor data quality at this position in the gnomAD database. This variant has not been reported in the literature in individuals affected with SLC25A3-related conditions. ClinVar contains an entry for this variant (Variation ID: 1925805). An algorithm developed to predict the effect of missense changes on protein structure and function (PolyPhen-2) suggests that this variant¬†is likely to be tolerated. In summary, the available evidence is currently insufficient to determine the role of this variant in disease. Therefore, it has been classified as a Variant of Uncertain Significance.

NM_002635.4(SLC25A3):c.74G>A (p.Gly25Asp)

Gene: SLC25A3 (solute carrier family 25 member 3; plus strand). Cytogenetic location: 12q23.1.
Variant type: single nucleotide variant.
Coding change: c.74G>A on transcript NM_002635.4 (MANE Select); coding-DNA position 74, G replaced by A.
Protein change: p.Gly25Asp; replaces glycine 25 with aspartic acid.
Molecular consequence: missense variant.
Genome position (GRCh38, 1-based): chr12:98,594,052, G>A. VCF-style: chr12-98594052-G-A. GRCh37 (hg19) VCF-style: chr12-98987830-G-A.
Other names: c.74G>A (NM_005888.3); c.74G>A, p.Gly25Asp (NM_005888.4, NM_213611.3); short protein forms G25D.
Identifiers: ClinVar variation 1925805 (VCV001925805.4), dbSNP rs375913781, ClinGen allele CA6732798.
Genomic context (GRCh38, chr12:98,594,052, plus strand): 5'-TGGCGCACCTGGCGCGGGCGAACCCCTTCAACACGCCACATCTGCAGCTGGTGCACGATG[G>A]TCTCGGGGACCTCCGCAGCAGCTCCCCAGGGCCCACGGGCCAGCCCCGCCGCCCTCGCAA-3'
Protein context (NP_002626.1, residues 15-35): NTPHLQLVHD[Gly25Asp]LGDLRSSSPG